The following is an entry in ClinVar:

NM_021098.3(CACNA1H):c.2534T>G (p.Leu845Arg)

Gene: CACNA1H (calcium voltage-gated channel subunit alpha1 H; plus strand). Cytogenetic location: 16p13.3.
Variant type: single nucleotide variant.
Coding change: c.2534T>G on transcript NM_021098.3 (MANE Select); coding-DNA position 2534, T replaced by G.
Protein change: p.Leu845Arg; replaces leucine 845 with arginine.
Molecular consequence: missense variant.
Genome position (GRCh38, 1-based): chr16:1,205,196, T>G. VCF-style: chr16-1205196-T-G. GRCh37 (hg19) VCF-style: chr16-1255196-T-G.
Other names: c.2534T>G, p.Leu845Arg (NM_001005407.2); short protein forms L845R.
Identifiers: ClinVar variation 643975 (VCV000643975.8), dbSNP rs1596428768, ClinGen allele CA394167495.

ClinVar aggregate classification (germline): Uncertain significance (1 of 4 stars; one submission).

Conditions:
Idiopathic generalized epilepsy. Also called: Generalised epilepsy; EIG. Identifiers: MedGen C0270850, MONDO:0005579, OMIM 600669.
Hyperaldosteronism, familial, type IV (HALD4). Also called: FH IV; ALDOSTERONISM, PRIMARY, AND HYPERTENSION. Identifiers: Orphanet 642671, MedGen C4310756, MONDO:0014875, OMIM 617027.

Submission:

Labcorp Genetics (formerly Invitae), Labcorp
Classification: Uncertain significance for Idiopathic generalized epilepsy; Hyperaldosteronism, familial, type IV. Last evaluated: 2020-02-23. Review status: criteria provided, single submitter. Criteria: Invitae Variant Classification Sherloc (09022015). Collection method: clinical testing. Allele origin: germline.
Comment: In summary, the available evidence is currently insufficient to determine the role of this variant in disease. Therefore, it has been classified as a Variant of Uncertain Significance. Algorithms developed to predict the effect of missense changes on protein structure and function are either unavailable or do not agree on the potential impact of this missense change (SIFT: "Deleterious"; PolyPhen-2: "Probably Damaging"; Align-GVGD: "Class C0"). This variant has not been reported in the literature in individuals with CACNA1H-related disease. This variant is not present in population databases (ExAC no frequency). This sequence change replaces leucine with arginine at codon 845 of the CACNA1H protein (p.Leu845Arg). The leucine residue is highly conserved and there is a moderate physicochemical difference between leucine and arginine.